The following is an entry in ClinVar:

NC_000008.10:g.(?_104416984)_(104417109_?)del

Gene: SLC25A32 (solute carrier family 25 member 32; minus strand). Cytogenetic location: 8q22.3.
Variant type: Deletion.
Identifiers: ClinVar variation 2426943 (VCV002426943.4).

ClinVar aggregate classification (germline): Uncertain significance (1 of 4 stars; one submission).

Submission:

Labcorp Genetics (formerly Invitae), Labcorp
Classification: Uncertain significance. Last evaluated: 2022-08-02. Review status: criteria provided, single submitter. Criteria: Invitae Variant Classification Sherloc (09022015). Collection method: clinical testing. Allele origin: germline.
Comment: This variant has not been reported in the literature in individuals affected with SLC25A32-related conditions. In summary, the available evidence is currently insufficient to determine the role of this variant in disease. Therefore, it has been classified as a Variant of Uncertain Significance. This variant is a gross deletion of the genomic region encompassing exon(s) 3 of the SLC25A32 gene. This deletion is out-of-frame, and is expected to create a premature translational stop signal and result in an absent or disrupted protein product. However, the current clinical and genetic evidence is not sufficient to establish whether loss-of-function variants in SLC25A32 cause disease.